The following is an entry in ClinVar:

ClinVar aggregate classification (germline): Likely benign (1 of 4 stars; one submission).

Conditions:
DNMT1-related disorder. Also called: DNMT1-related condition. Identifiers: MedGen CN381527.

Submission:

PreventionGenetics, part of Exact Sciences
Classification: Likely benign for DNMT1-related condition. Last evaluated: 2025-10-22. Review status: criteria provided, single submitter. Criteria: ACMG Guidelines, 2015. Collection method: clinical testing. Allele origin: germline.
Comment: This variant is classified as likely benign based on ACMG/AMP sequence variant interpretation guidelines (Richards et al. 2015 PMID: 25741868, with internal and published modifications).

NM_001130823.3(DNMT1):c.2020-3dup

Gene: DNMT1 (DNA methyltransferase 1; minus strand). Cytogenetic location: 19p13.2.
Variant type: Duplication.
Coding change: c.2020-3dup on transcript NM_001130823.3 (MANE Select); 3 bases into the intron before coding-DNA position 2020, one base duplicated (T; older notation c.2020-3dupT).
Molecular consequence: intron variant.
Genome position (GRCh38, 1-based): chr19:10,151,850, A duplicated on the plus strand (T on the coding strand, the reverse complement: DNMT1 is on the minus strand); the first of 6 consecutive A bases (chr19:10,151,850-10,151,855); duplicating any one gives the same sequence. VCF-style (leftmost placement, unchanged base first): chr19-10151849-T-TA. GRCh37 (hg19) VCF-style: chr19-10262525-T-TA.
Other names: c.1657-3dup (NM_001318731.2); c.1972-3dup (NM_001379.4, NM_001318730.2).
Identifiers: ClinVar variation 4999321 (VCV004999321.1).
Genomic context (GRCh38, chr19:10,151,849, plus strand): 5'-CCAAATTTAACCATGTCCTTGCAGGCTTTACATTTCCCACACTCAGGCTGCTGACACACC[T>TA]AAAAAATGGCATTAAAAAGGCAAATCAGGGCTGGGCACAGTGGTTCATGCCTGTAATCCC-3'